The following is an entry in ClinVar:

NM_000186.4(CFH):c.668AGA[1] (p.Lys224del)

Gene: CFH (complement factor H; plus strand). Cytogenetic location: 1q31.3.
Variant type: Microsatellite.
Coding change: c.668AGA[1] on transcript NM_000186.4 (MANE Select); one copy of the 3-base unit AGA starting at c.668; the reference has two copies in a row; one copy, 3 bases deleted; also written c.671_673del.
Protein change: p.Lys224del; deletes lysine 224.
Molecular consequence: inframe deletion.
Genome position (GRCh38, 1-based): chr1:196,679,674-196,679,676, AGA deleted; deleting any 3 consecutive bases within chr1:196,679,671-196,679,676 gives the same sequence; the position shown is the placement nearest the transcript's 3' end. VCF-style (leftmost placement, unchanged base first): chr1-196679670-CAGA-C. GRCh37 (hg19) VCF-style: chr1-196648800-CAGA-C.
Other names: c.671_673del (NM_000186.4, NM_000186.3); c.668AGA[1], p.Lys224del (NM_001014975.3); short protein forms K224del.
Identifiers: ClinVar variation 16555 (VCV000016555.3), dbSNP rs796052138, ClinGen allele CA257516.

ClinVar aggregate classification (germline): Pathogenic. Review status: criteria provided, single submitter (1 of 4 stars). 2 submissions from 2 submitters: Pathogenic (1). 1 of the submissions does not count toward it. Last evaluated 2025-10-02.

Conditions:
Factor H deficiency (CFHD). Also called: CFH DEFICIENCY; COMPLEMENT FACTOR H DEFICIENCY. Identifiers: Orphanet 200421, MedGen C0398777, MONDO:0012350, OMIM 609814.

Submissions (2):

Genomenon, Inc
Classification: Pathogenic for Factor H deficiency. Last evaluated: 2025-10-02. Review status: criteria provided, single submitter. Criteria: Genomenon Sequence Variant Interpretation Standards - Updated. Collection method: curation. Allele origin: germline. Affected: yes.
Comment: CFH p.Lys224del (c.671_673del) is an in-frame deletion variant that results in the deletion of a single amino acid, Lysine at residue 224. This variant has been observed in at least one proband affected with complement factor H deficiency (PMID:16612335). The variant was found to segregate with disease in at least one affected family (PMID:16612335). At least one functional study has demonstrated a substantial alteration in protein function relative to the wild-type (PMID:16612335). It is absent or not present at a significant frequency in gnomAD. In conclusion, we classify CFH p.Lys224del (c.671_673del) as a pathogenic variant.

OMIM
Classification: Pathogenic for COMPLEMENT FACTOR H DEFICIENCY. Last evaluated: 2006-07-01. Review status: no assertion criteria provided. Collection method: literature only. Allele origin: germline. Not counted in ClinVar's aggregate classification.

Literature cited by the submitters: PubMed 16612335 (cited by Genomenon, Inc and OMIM).